The following is an entry in ClinVar:

ClinVar aggregate classification (germline): Pathogenic (1 of 4 stars; one submission).

Conditions:
Renal cysts and diabetes syndrome (RCAD). Also called: Familial hypoplastic, glomerulocystic kidney; MATURITY-ONSET DIABETES OF THE YOUNG, TYPE 5. Identifiers: Orphanet 93111, MedGen C0431693, MONDO:0007669, OMIM 137920.

Submission:

Institute of Human Genetics, FAU Erlangen, Friedrich-Alexander-Universität Erlangen-Nürnberg
Classification: Pathogenic for Renal cysts and diabetes syndrome. Last evaluated: 2019-07-06. Review status: criteria provided, single submitter. Criteria: ACMG Guidelines, 2015. Collection method: literature only. Allele origin: germline. Affected: yes.
Comment: This variant and it's classification has been reported by Vasileiou et al. 2019; DOI:10.1101/576918. The variants has previously been reported in PMID:25500806 as "E9: c.1654-2A>T (IVS8_2A>T) (INH) " with clinical significance Pathogenic. It has been re-classified using InterVar and manual curation as Pathogenic based on PVS1 PS4 PM2 PP1 PP4 PP5.

Literature cited by the submitters: PubMed 25500806; DOI 10.1101/576918.

NM_000458.4(HNF1B):c.1654-2A>T

Gene: HNF1B (HNF1 homeobox B; minus strand). Cytogenetic location: 17q12.
Variant type: single nucleotide variant.
Coding change: c.1654-2A>T on transcript NM_000458.4 (MANE Select); the canonical splice acceptor site of the intron before coding-DNA position 1654, A replaced by T.
Molecular consequence: splice acceptor variant.
Genome position (GRCh38, 1-based): chr17:37,687,394, T>A on the plus strand (A>T on the coding strand, the complement: HNF1B is on the minus strand). VCF-style: chr17-37687394-T-A. GRCh37 (hg19) VCF-style: chr17-36047397-T-A.
Other names: c.1262-2A>T (NM_001304286.2); c.1576-2A>T (NM_001165923.4); c.1535-2A>T (NM_001411100.1).
Identifiers: ClinVar variation 635574 (VCV000635574.1), dbSNP rs2511669991, ClinGen allele CA398750585.
Genomic context (GRCh38, chr17:37,687,394, plus strand): 5'-TCCTTGTTGTTGCGCACGAAGTAAGTGGTGTGTGGGCATCACCAGGCTTGTAGAGGACAC[T>A]GCAGAGAGAGAGGAGAGAGGGTGCTCAGCTGTGTCATTTGGCAGGGTCATGGGCCATTAG-3'